The following is an entry in ClinVar:

ClinVar aggregate classification (germline): Conflicting classifications of pathogenicity. Review status: criteria provided, conflicting classifications (1 of 4 stars). 8 submissions from 4 submitters: Uncertain significance (5); Likely benign (3). Last evaluated 2026-01-22.

Conditions:
Tibial muscular dystrophy (TMD). Also called: UDD MYOPATHY; Tibial muscular dystrophy, tardive; Udd Distal Myopathy – Tibial Muscular Dystrophy. Identifiers: Orphanet 609, MedGen C1838244, MONDO:0010870, OMIM 600334.
Dilated cardiomyopathy 1G (CMD1G). Identifiers: Orphanet 154, MedGen C1858763, MONDO:0011400, OMIM 604145.
Myopathy, myofibrillar, 9, with early respiratory failure (MFM9). Also called: MYOPATHY, PROXIMAL, WITH EARLY RESPIRATORY MUSCLE INVOLVEMENT; Hereditary myopathy with early respiratory failure; Myopathy, distal, with early respiratory failure, autosomal dominant; EDSTROM MYOPATHY. Identifiers: Orphanet 178464, Orphanet 34521, MedGen C1863599, MONDO:0011362, OMIM 603689.
Autosomal recessive limb-girdle muscular dystrophy type 2J (LGMDR10). Also called: Limb-girdle muscular dystrophy, type 2J; MUSCULAR DYSTROPHY, LIMB-GIRDLE, AUTOSOMAL RECESSIVE 10. Identifiers: Orphanet 140922, MedGen C1837342, MONDO:0012127, OMIM 608807.
TTN-related disorder. Also called: TTN-related disorders; TTN-related condition; TTN-related disease.
Cardiovascular phenotype. Identifiers: MedGen CN230736.
Early-onset myopathy with fatal cardiomyopathy (CMYO5). Also called: Salih Myopathy; CONGENITAL MYOPATHY 5 WITH CARDIOMYOPATHY. Identifiers: Orphanet 289377, MedGen C2673677, MONDO:0012714, OMIM 611705. Disease mechanism: loss of function.

Allele frequency attached by ClinVar (database versions not stated): gnomAD below 0.00001 and 0.00001; gnomAD exomes 0.00001 and 0.00004; ExAC 0.00004; 1000 Genomes Project 30x 0.00016; 1000 Genomes Project 0.00020.
gnomAD v4.1: 21 of 1,575,626 alleles (0.0013%); highest among the groups gnomAD compares: South Asian, 0.025%; no homozygotes.

Submissions (8):

PreventionGenetics, part of Exact Sciences
Classification: Uncertain significance for TTN-related condition. Last evaluated: 2026-01-22. Review status: criteria provided, single submitter. Criteria: ACMG Guidelines, 2015. Collection method: clinical testing. Allele origin: germline.
Comment: The TTN c.61370A>C variant is predicted to result in the amino acid substitution p.Glu20457Ala. To our knowledge, this variant has not been reported in the literature. This variant is reported in 0.037% of alleles in individuals of South Asian descent in gnomAD. At this time, the clinical significance of this variant is uncertain due to the absence of conclusive functional and genetic evidence.

GeneDx
Classification: Likely benign. Last evaluated: 2020-08-07. Review status: criteria provided, single submitter. Criteria: GeneDx Variant Classification Process June 2021. Collection method: clinical testing. Allele origin: germline. Affected: yes.

Ambry Genetics
Classification: Uncertain significance for Cardiovascular phenotype. Last evaluated: 2020-03-11. Review status: criteria provided, single submitter. Criteria: Ambry Variant Classification Scheme 2023. Collection method: clinical testing. Allele origin: germline.
Comment: The p.E11392A variant (also known as c.34175A>C), located in coding exon 131 of the TTN gene, results from an A to C substitution at nucleotide position 34175. The glutamic acid at codon 11392 is replaced by alanine, an amino acid with dissimilar properties. This amino acid position is highly conserved in available vertebrate species. In addition, this alteration is predicted to be tolerated by in silico analysis. Since supporting evidence is limited at this time, the clinical significance of this alteration remains unclear.

Illumina Laboratory Services, Illumina
Classification: Uncertain significance for Autosomal recessive limb-girdle muscular dystrophy type 2J. Last evaluated: 2018-01-13. Review status: criteria provided, single submitter. Criteria: ICSL Variant Classification Criteria 13 December 2019. Collection method: clinical testing. Allele origin: germline.

Illumina Laboratory Services, Illumina
Classification: Likely benign for Tibial muscular dystrophy. Last evaluated: 2018-01-13. Review status: criteria provided, single submitter. Criteria: ICSL Variant Classification Criteria 13 December 2019. Collection method: clinical testing. Allele origin: germline.
Comment: This variant was observed in the ICSL laboratory as part of a predisposition screen in an ostensibly healthy population. It had not been previously curated by ICSL or reported in the Human Gene Mutation Database (HGMD: prior to June 1st, 2018), and was therefore a candidate for classification through an automated scoring system. Utilizing variant allele frequency, disease prevalence and penetrance estimates, and inheritance mode, an automated score was calculated to assess if this variant is too frequent to cause the disease. Based on the score and internal cut-off values, a variant classified as likely benign is not then subjected to further curation. The score for this variant resulted in a classification of likely benign for this disease.

Illumina Laboratory Services, Illumina
Classification: Uncertain significance for Early-onset myopathy with fatal cardiomyopathy. Last evaluated: 2018-01-13. Review status: criteria provided, single submitter. Criteria: ICSL Variant Classification Criteria 13 December 2019. Collection method: clinical testing. Allele origin: germline.

Illumina Laboratory Services, Illumina
Classification: Uncertain significance for Dilated cardiomyopathy 1G. Last evaluated: 2018-01-13. Review status: criteria provided, single submitter. Criteria: ICSL Variant Classification Criteria 13 December 2019. Collection method: clinical testing. Allele origin: germline.

Illumina Laboratory Services, Illumina
Classification: Likely benign for Myopathy, myofibrillar, 9, with early respiratory failure. Last evaluated: 2018-01-13. Review status: criteria provided, single submitter. Criteria: ICSL Variant Classification Criteria 13 December 2019. Collection method: clinical testing. Allele origin: germline.
Comment: the same text as in the submission from Illumina Laboratory Services, Illumina above.

NM_001267550.2(TTN):c.61370A>C (p.Glu20457Ala)

Genes: TTN (titin; minus strand), TTN-AS1 (TTN antisense RNA 1; plus strand). Cytogenetic location: 2q31.2.
Variant type: single nucleotide variant.
Coding change: c.61370A>C on transcript NM_001267550.2 (MANE Select); coding-DNA position 61370, A replaced by C.
Protein change: p.Glu20457Ala; replaces glutamic acid 20457 with alanine.
Molecular consequence: missense variant.
Genome position (GRCh38, 1-based): chr2:178,590,355, T>G on the plus strand (A>C on the coding strand, the complement: TTN is on the minus strand). VCF-style: chr2-178590355-T-G. GRCh37 (hg19) VCF-style: chr2-179455082-T-G.
Other names: c.56447A>C, p.Glu18816Ala (NM_001256850.1); c.34175A>C, p.Glu11392Ala (NM_003319.4); c.53666A>C, p.Glu17889Ala (NM_133378.4); c.34550A>C, p.Glu11517Ala (NM_133432.3); c.34751A>C, p.Glu11584Ala (NM_133437.4); short protein forms E20457A, E17889A, E11517A, E18816A, E11392A, E11584A.
Identifiers: ClinVar variation 332817 (VCV000332817.11), dbSNP rs541930965, ClinGen allele CA1992378.